The following is an entry in ClinVar:

ClinVar aggregate classification (germline): Pathogenic (1 of 4 stars; one submission).

Submission:

Labcorp Genetics (formerly Invitae), Labcorp
Classification: Pathogenic. Last evaluated: 2024-05-12. Review status: criteria provided, single submitter. Criteria: Invitae Variant Classification Sherloc (09022015). Collection method: clinical testing. Allele origin: germline.
Comment: This sequence change creates a premature translational stop signal (p.Arg88Serfs*75) in the LMF1 gene. It is expected to result in an absent or disrupted protein product. Loss-of-function variants in LMF1 are known to be pathogenic (PMID: 17994020, 19820022, 22239554). This variant is present in population databases (rs774545767, gnomAD 0.003%). This variant has not been reported in the literature in individuals affected with LMF1-related conditions. For these reasons, this variant has been classified as Pathogenic.

Literature cited by the submitters: PubMed 17994020; PubMed 19820022; PubMed 22239554.

NM_022773.4(LMF1):c.264_265del (p.Arg88fs)

Gene: LMF1 (lipase maturation factor 1; minus strand). Cytogenetic location: 16p13.3.
Variant type: Microsatellite.
Coding change: c.264_265del on transcript NM_022773.4 (MANE Select); coding-DNA positions 264 to 265, 2 bases deleted (AG; older notation c.264_265delAG).
Protein change: p.Arg88fs; shifts the reading frame from arginine 88.
Molecular consequence: frameshift variant. On other transcripts: 5 prime UTR variant (4), non-coding transcript variant (1).
Genome position (GRCh38, 1-based): chr16:954,595-954,596, CT deleted on the plus strand (AG on the coding strand, the reverse complement: LMF1 is on the minus strand); deleting any 2 consecutive bases within chr16:954,595-954,598 gives the same sequence; the c. name uses the placement nearest the transcript's 3' end. VCF-style (leftmost placement, unchanged base first): chr16-954594-ACT-A. GRCh37 (hg19) VCF-style: chr16-1004594-ACT-A.
Other names: c.-542AG[1] (NM_001352017.2); c.-293AG[1] (NM_001352018.2); c.-66AG[1] (NM_001352019.2); c.264_265del, p.Arg88fs (NM_001352020.1); c.-444AG[1] (NM_001352021.2); short protein forms R88fs.
Identifiers: ClinVar variation 3682280 (VCV003682280.2).